The following is an entry in ClinVar:

ClinVar aggregate classification (germline): Benign. Review status: criteria provided, multiple submitters, no conflicts (2 of 4 stars). 2 submissions from 2 submitters: Benign (2). Last evaluated 2018-01-12.

Conditions:
Erythrocytosis, familial, 3 (ECYT3). Identifiers: Orphanet 247511, MedGen C1853286, MONDO:0012353, OMIM 609820.

Allele frequency attached by ClinVar (database versions not stated): gnomAD 0.18403 and 0.19367; TOPMed 0.19864; 1000 Genomes Project 30x 0.29232; 1000 Genomes Project 0.29393.

Submissions (2):

Illumina Laboratory Services, Illumina
Classification: Benign for Erythrocytosis, familial, 3. Last evaluated: 2018-01-12. Review status: criteria provided, single submitter. Criteria: ICSL Variant Classification Criteria 13 December 2019. Collection method: clinical testing. Allele origin: germline.
Comment: This variant was observed in the ICSL laboratory as part of a predisposition screen in an ostensibly healthy population. It had not been previously curated by ICSL or reported in the Human Gene Mutation Database (HGMD: prior to June 1st, 2018), and was therefore a candidate for classification through an automated scoring system. Utilizing variant allele frequency, disease prevalence and penetrance estimates, and inheritance mode, an automated score was calculated to assess if this variant is too frequent to cause the disease. Based on the score and internal cut-off values, a variant classified as benign is not then subjected to further curation. The score for this variant resulted in a classification of benign for this disease.

Breakthrough Genomics
Classification: Benign. Review status: criteria provided, single submitter. Criteria: ACMG Guidelines, 2015. Collection method: not provided. Allele origin: germline. Inheritance: Autosomal dominant inheritance. Affected: yes.

NM_022051.2(EGLN1):c.-2586T>C

Gene: EGLN1 (egl-9 family hypoxia inducible factor 1; minus strand). Cytogenetic location: 1q42.2.
Variant type: single nucleotide variant.
Coding change: c.-2586T>C on transcript NM_022051.2; 2586 bases upstream of the start codon, T replaced by C.
Genome position (GRCh38, 1-based): chr1:231,424,474, A>G on the plus strand (T>C on the coding strand, the complement: EGLN1 is on the minus strand). VCF-style: chr1-231424474-A-G. GRCh37 (hg19) VCF-style: chr1-231560220-A-G.
Identifiers: ClinVar variation 296240 (VCV000296240.8), dbSNP rs2153364, ClinGen allele CA10610389.
Genomic context (GRCh38, chr1:231,424,474, plus strand): 5'-TGTATATCCTAAATATACTTAATCCATCAAATAGAACACTTGCAACACTTTAATGAATAC[A>G]ACAGGAAAATATAAAATACTGATTTCAAATAGTTCCAAAGATCCTTGATTTCAGGATTTT-3'